The following is an entry in ClinVar:

ClinVar aggregate classification (germline): Benign. Review status: reviewed by expert panel (3 of 4 stars). 33 submissions from 33 submitters: Benign (1). 32 of the submissions do not count toward it. Last evaluated 2022-03-09.

Conditions:
ATM-related cancer predisposition. Also called: ATM-related cancer susceptibility. Identifiers: MedGen CN377759, MONDO:0700270.
Breast and/or ovarian cancer. Identifiers: MedGen CN221562.
Familial cancer of breast. Also called: hereditary breast carcinoma; BREAST CANCER, FAMILIAL; Hereditary breast cancer. Identifiers: Orphanet 227535, MedGen C0346153, MONDO:0016419, OMIM 114480. Disease mechanism: loss of function.
Ataxia-telangiectasia syndrome (AT). Also called: AT, COMPLEMENTATION GROUP C; ATAXIA-TELANGIECTASIA, COMPLEMENTATION GROUP A; ATAXIA-TELANGIECTASIA, FRESNO VARIANT; Ataxia-telangiectasia, complementation group D; Cerebello-oculocutaneous telangiectasia; Immunodeficiency with ataxia telangiectasia. Identifiers: Orphanet 100, MedGen C0004135, MONDO:0008840, OMIM 208900.
Hereditary cancer-predisposing syndrome. Also called: Hereditary neoplastic syndrome; Hereditary Cancer Syndrome; Neoplastic Syndromes, Hereditary; Tumor predisposition. Identifiers: Orphanet 140162, MedGen C0027672, MeSH D009386, MONDO:0015356.
Malignant tumor of breast. Also called: Malignant breast neoplasm; Cancer breast. Identifiers: MedGen C0006142, MONDO:0007254. Disease mechanism: loss of function.
Intellectual disability. Also called: Intellectual functioning disability; intellectual disabilities; Intellectual developmental disorder. Identifiers: MedGen C3714756, MeSH D008607, MONDO:0001071, HP:0001249.

Allele frequency attached by ClinVar (database versions not stated): 1000 Genomes Project 0.00040; gnomAD 0.00139 and 0.00128; TOPMed 0.00156; ExAC 0.00130; 1000 Genomes Project 30x 0.00062; ESP Exome Variant Server 0.00177.
gnomAD v4.1: 3,346 of 1,599,504 alleles (0.21%); highest among the groups gnomAD compares: Non-Finnish European, 0.26%; 7 homozygotes.

Submissions 1 to 19 of 39:

ClinGen Hereditary Breast, Ovarian and Pancreatic Cancer Variant Curation Expert Panel, ClinGen
Classification: Benign for ATM-related cancer predisposition. Last evaluated: 2022-03-09. Review status: reviewed by expert panel. Criteria: clingen hbop acmg specifications atm v1-1. Collection method: curation. Allele origin: germline. Inheritance: Autosomal dominant inheritance.
Comment: The ATM c.1066-6T>G variant has a GnomAD (v2.1.1) filtering allele frequency of 0.2081% (NFE) which is above the ATM BS1 threshold of .05% (BS1). In silico predictors (SpliceAI Acceptor Loss 0.62; MaxEntScan -2.49) are indeterminate about whether this variant affects splicing. This variant has been observed in a homozygous and compound heterozygous state (presumed) in multiple individuals without Ataxia-Telangiectasia (BP2_Strong, GTR Lab IDs: 61756, 26957, 500031). In summary, this variant meets criteria to be classified as benign based on the ACMG/AMP criteria applied as specified by the HBOP Variant Curation Expert Panel

CeGaT Center for Human Genetics Tuebingen
Classification: Likely benign. Last evaluated: 2026-08-01. Review status: criteria provided, single submitter. Criteria: CeGaT Center For Human Genetics Tuebingen Variant Classification Criteria Version 2. Collection method: clinical testing. Allele origin: germline. Affected: yes. Observed: 46 variant alleles. Not counted in ClinVar's aggregate classification.
Comment: ATM: PP3, BS2

Labcorp Genetics (formerly Invitae), Labcorp
Classification: Benign for Ataxia-telangiectasia syndrome. Last evaluated: 2026-02-04. Review status: criteria provided, single submitter. Criteria: Invitae Variant Classification Sherloc (09022015). Collection method: clinical testing. Allele origin: germline. Not counted in ClinVar's aggregate classification.

Dasa
Classification: Benign for ATM-related cancer predisposition. Last evaluated: 2025-11-01. Review status: criteria provided, single submitter. Criteria: DASA Assertion Criteria. Collection method: clinical testing. Allele origin: germline. Not counted in ClinVar's aggregate classification.
Comment: NM_000051.4(ATM):c.1066-6T>G is a splice-region variant. Population frequency is inconsistent with a disease-causing role for this variant. Therefore, based on the currently available evidence, this variant is classified as benign.

Mayo Clinic Laboratories, Mayo Clinic
Classification: Likely benign. Last evaluated: 2025-07-18. Review status: criteria provided, single submitter. Criteria: ACMG Guidelines, 2015. Collection method: clinical testing. Allele origin: germline. Observed: 15 variant alleles. Not counted in ClinVar's aggregate classification.
Comment: BS1, BS2, BP2, PP1, PM3, PS4_moderate

Center for Genomic Medicine, Rigshospitalet, Copenhagen University Hospital
Classification: Benign. Last evaluated: 2025-03-04. Review status: criteria provided, single submitter. Criteria: ACMG Guidelines, 2015. Collection method: clinical testing. Allele origin: germline. Not counted in ClinVar's aggregate classification.

Myriad Genetics, Inc.
Classification: Benign for Familial cancer of breast. Last evaluated: 2025-01-16. Review status: criteria provided, single submitter. Criteria: Myriad Autosomal Dominant, Autosomal Recessive and X-Linked Classification Criteria (2023). Collection method: clinical testing. Allele origin: unknown. Not counted in ClinVar's aggregate classification.
Comment: This variant is considered benign. This variant is intronic and is not expected to impact mRNA splicing. This variant is strongly associated with less severe personal and family histories of cancer, typical for individuals without pathogenic variants in this gene [PMID: 25085752]. This variant has been observed at a population frequency that is significantly greater than expected given the associated disease prevalence and penetrance.

Blueprint Genetics
Classification: Likely benign. Last evaluated: 2024-11-15. Review status: criteria provided, single submitter. Criteria: ACMG Guidelines, 2015. Collection method: clinical testing. Allele origin: germline. Not counted in ClinVar's aggregate classification.

ARUP Laboratories, Molecular Genetics and Genomics, ARUP Laboratories
Classification: Benign. Last evaluated: 2023-11-01. Review status: criteria provided, single submitter. Criteria: ARUP Molecular Germline Variant Investigation Process 2024. Collection method: clinical testing. Allele origin: germline. Not counted in ClinVar's aggregate classification.

CHEO Genetics Diagnostic Laboratory, Children's Hospital of Eastern Ontario
Classification: Likely benign for Breast and/or ovarian cancer. Last evaluated: 2023-06-23. Review status: criteria provided, single submitter. Criteria: ACMG Guidelines, 2015. Collection method: clinical testing. Allele origin: germline. Not counted in ClinVar's aggregate classification.

Quest Diagnostics Nichols Institute San Juan Capistrano
Classification: Benign. Last evaluated: 2023-01-27. Review status: criteria provided, single submitter. Criteria: Quest Diagnostics criteria. Collection method: clinical testing. Allele origin: unknown. Not counted in ClinVar's aggregate classification.

Fulgent Genetics
Classification: Likely benign for Familial cancer of breast; Ataxia-telangiectasia syndrome. Last evaluated: 2021-11-05. Review status: criteria provided, single submitter. Criteria: ACMG Guidelines, 2015. Collection method: clinical testing. Allele origin: unknown. Not counted in ClinVar's aggregate classification.

Institute for Clinical Genetics, University Hospital TU Dresden, University Hospital TU Dresden
Classification: Likely benign. Last evaluated: 2021-11-03. Review status: criteria provided, single submitter. Criteria: ACMG Guidelines, 2015. Collection method: clinical testing. Allele origin: germline. Not counted in ClinVar's aggregate classification.

GeneDx
Classification: Likely benign. Last evaluated: 2021-06-05. Review status: criteria provided, single submitter. Criteria: GeneDx Variant Classification Process June 2021. Collection method: clinical testing. Allele origin: germline. Affected: yes. Not counted in ClinVar's aggregate classification.
Comment: This variant is associated with the following publications: (PMID: 26898890, 28779002, 28643015, 21933854, 10677309, 15101044, 11606401, 25040471, 27067391, 26250988, 18573109, 26662178, 27798748, 27296296, 19781682, 16958054, 27803004, 28627265, 28691344, 16914028, 28652578, 20544271, 30549301, 11830610, 32918381)

Genetic Services Laboratory, University of Chicago
Classification: Benign. Last evaluated: 2021-03-18. Review status: criteria provided, single submitter. Criteria: ACMG Guidelines, 2015. Collection method: clinical testing. Allele origin: germline. Affected: no. Not counted in ClinVar's aggregate classification.

Color Diagnostics, LLC DBA Color Health
Classification: Benign for Hereditary cancer-predisposing syndrome. Last evaluated: 2020-12-10. Review status: criteria provided, single submitter. Criteria: ACMG Guidelines, 2015. Collection method: clinical testing. Allele origin: germline. Not counted in ClinVar's aggregate classification.

Sema4
Classification: Benign for Hereditary cancer-predisposing syndrome. Last evaluated: 2020-11-06. Review status: criteria provided, single submitter. Criteria: Sema4 Curation Guidelines. Collection method: curation. Allele origin: germline. Not counted in ClinVar's aggregate classification.

Cambridge Genomics Laboratory, East Genomic Laboratory Hub, NHS Genomic Medicine Service
Classification: Uncertain significance for Intellectual disability. Last evaluated: 2019-12-30. Review status: criteria provided, single submitter. Criteria: ACGS Best Practice Guidelines for Variant Classification in Rare Disease 2020. Collection method: clinical testing. Allele origin: germline. Affected: yes. Observed: 1 variant allele. Not counted in ClinVar's aggregate classification.

Institute of Human Genetics, University of Leipzig Medical Center
Classification: Uncertain significance for Familial cancer of breast. Last evaluated: 2019-06-13. Review status: criteria provided, single submitter. Criteria: ACMG Guidelines, 2015. Collection method: clinical testing. Allele origin: germline. Affected: yes. Observed: 1 variant allele. Not counted in ClinVar's aggregate classification.

NM_000051.4(ATM):c.1066-6T>G

Gene: ATM (ATM serine/threonine kinase; plus strand). Cytogenetic location: 11q22.3.
Variant type: single nucleotide variant.
Coding change: c.1066-6T>G on transcript NM_000051.4 (MANE Select); 6 bases into the intron before coding-DNA position 1066, T replaced by G.
Molecular consequence: intron variant.
Genome position (GRCh38, 1-based): chr11:108,248,927, T>G. VCF-style: chr11-108248927-T-G. GRCh37 (hg19) VCF-style: chr11-108119654-T-G.
Other names: IVS8-6T>G; p.?; IVS10AS, T-G, -6; c.1066-6T>G (NM_001351834.2).
Identifiers: ClinVar variation 3038 (VCV000003038.113), dbSNP rs201686625, ClinGen allele CA151456.
Genomic context (GRCh38, chr11:108,248,927, plus strand): 5'-AACAACAGCGAAACTCTGGCTCAAAAAAAAAAAAAAGAAAAAAGTGGATTTATTTTTATT[T>G]TACAGGTTTTTAATGAAGATACCAGATCCTTGGAGATTTCTCAATCTTACACTACTACAC-3'